The following is an entry in ClinVar:

ClinVar aggregate classification (germline): Uncertain significance (1 of 4 stars; one submission).

Conditions:
Leigh syndrome (NULS). Also called: Leigh's necrotizing encephalopathy; Leigh's disease; Leigh's syndrome; LEIGH SYNDROME, NUCLEAR; Leigh Syndrome (mtDNA deletion); Leigh Disease. Identifiers: Orphanet 506, MedGen C2931891, MONDO:0009723, OMIM 256000.

Submission:

Wong Mito Lab, Molecular and Human Genetics, Baylor College of Medicine
Classification: Uncertain significance for Leigh syndrome. Last evaluated: 2019-10-17. Review status: criteria provided, single submitter. Criteria: Modified ACMG Guidelines (Unpublished). Collection method: clinical testing. Allele origin: germline.
Comment: The NC_012920.1:m.15062T>C (YP_003024038.1:p.Ser106Pro) variant in MTCYB gene is interpretated to be a Uncertain Significance variant based on the modified ACMG guidelines (unpublished). This variant meets the following evidence codes: PP7, BP4

NC_012920.1(MT-CYB):m.15062T>C

Gene: MT-CYB (mitochondrially encoded cytochrome b; plus strand).
Variant type: single nucleotide variant.
Genome position: chrM-15062-T-C.
Identifiers: ClinVar variation 693818 (VCV000693818.1), dbSNP rs1603225056, ClinGen allele CA913172842.